The following is an entry in ClinVar:

ClinVar aggregate classification (germline): Uncertain significance (1 of 4 stars; one submission).

Submission:

Labcorp Genetics (formerly Invitae), Labcorp
Classification: Uncertain significance. Last evaluated: 2021-06-03. Review status: criteria provided, single submitter. Criteria: Invitae Variant Classification Sherloc (09022015). Collection method: clinical testing. Allele origin: germline.
Comment: This sequence change replaces serine with isoleucine at codon 109 of the EBP protein (p.Ser109Ile). The serine residue is highly conserved and there is a large physicochemical difference between serine and isoleucine. This variant is not present in population databases (ExAC no frequency). This variant has not been reported in the literature in individuals with EBP-related conditions. Advanced modeling of protein sequence and biophysical properties (such as structural, functional, and spatial information, amino acid conservation, physicochemical variation, residue mobility, and thermodynamic stability) performed at Invitae indicates that this missense variant is expected to disrupt EBP protein function. In summary, the available evidence is currently insufficient to determine the role of this variant in disease. Therefore, it has been classified as a Variant of Uncertain Significance.

NM_006579.3(EBP):c.326G>T (p.Ser109Ile)

Gene: EBP (EBP cholestenol delta-isomerase; plus strand). Cytogenetic location: Xp11.23.
Variant type: single nucleotide variant.
Coding change: c.326G>T on transcript NM_006579.3 (MANE Select); coding-DNA position 326, G replaced by T.
Protein change: p.Ser109Ile; replaces serine 109 with isoleucine.
Molecular consequence: missense variant.
Genome position (GRCh38, 1-based): chrX:48,527,013, G>T. VCF-style: chrX-48527013-G-T. GRCh37 (hg19) VCF-style: chrX-48385401-G-T.
Other names: short protein forms S109I.
Identifiers: ClinVar variation 1475751 (VCV001475751.8), dbSNP rs2147156341, ClinGen allele CA412852158.